The following is an entry in ClinVar:

NM_004544.4(NDUFA10):c.1000-12427TCCCTCCTTGAAGCTGATCGT[2]

Gene: NDUFA10 (NADH:ubiquinone oxidoreductase subunit A10; minus strand). Cytogenetic location: 2q37.3.
Variant type: Microsatellite.
Coding change: c.1000-12427TCCCTCCTTGAAGCTGATCGT[2] on transcript NM_004544.4 (MANE Select); two copies in a row of the 21-base unit TCCCTCCTTGAAGCTGATCGT starting at c.1000-12427; the reference has three copies in a row; one copy, 21 bases deleted.
Molecular consequence: intron variant. On other transcripts: inframe deletion (1).
Genome position (GRCh38, 1-based): chr2:239,973,551-239,973,571, ACGATCAGCTTCAAGGAGGGA deleted on the plus strand (TCCCTCCTTGAAGCTGATCGT on the coding strand, the reverse complement: NDUFA10 is on the minus strand); deleting any 21 consecutive bases within chr2:239,973,551-239,973,613 gives the same sequence; the position shown is the placement nearest the transcript's 3' end. VCF-style (leftmost placement, unchanged base first): chr2-239973550-CACGATCAGCTTCAAGGAGGGA-C. GRCh37 (hg19) VCF-style: chr2-240912967-CACGATCAGCTTCAAGGAGGGA-C.
Other names: c.1048TCCCTCCTTGAAGCTGATCGT[2], p.350SLLEADR[2] (NM_001322019.2); c.891-12427TCCCTCCTTGAAGCTGATCGT[2] (NM_001322020.2); c.1090_1110del21 (NM_001322019.1); c.1000-12385_1000-12365del21 (NM_004544.4).
Identifiers: ClinVar variation 1806358 (VCV001806358.4), dbSNP rs4149567, ClinGen allele CA2200658.

ClinVar aggregate classification (germline): Conflicting classifications of pathogenicity. Review status: criteria provided, conflicting classifications (1 of 4 stars). 3 submissions from 3 submitters: Uncertain significance (1); Benign (1). 1 of the submissions does not count toward it. Last evaluated 2026-02-18.

Conditions:
NDUFA10-related disorder. Also called: NDUFA10-related condition.
Mitochondrial complex I deficiency, nuclear type 22. Also called: Mitochondrial complex 1 deficiency, nuclear type 22. Identifiers: MedGen C4748796, MONDO:0032626, OMIM 618243.

Submissions (3):

Women's Health and Genetics/Laboratory Corporation of America, LabCorp
Classification: Benign. Last evaluated: 2026-02-18. Review status: criteria provided, single submitter. Criteria: LabCorp Variant Classification Summary - May 2015. Collection method: clinical testing. Allele origin: germline.
Comment: Variant summary: NDUFA10 c.1000-12385_1000-12365del21 is located at a position not widely known to affect splicing. Consensus agreement among computation tools predicts no significant impact on normal splicing. However, these predictions have yet to be confirmed by functional studies. The variant allele was found at a frequency of 0.0019 in 466902 control chromosomes, predominantly at a frequency of 0.0088 within the East Asian subpopulation in the gnomAD database, including 2 homozygotes. However, the variant was reported in some East Asian subpopulations with an even higher allele frequency, e.g. in the Japanese, with an allele frequency of 0.024 (i.e. 2957 / 122566 alleles), including 38 homozygotes (in the jMorp database; PMID: 33179747). The observed variant frequency within East Asian control individuals exceeds the estimated maximal expected allele frequency for disease-causing variants in NDUFA10. The variant (reported as NM_001322019.2 c.1090_1110del21, p.Ser364_Arg370del) has been observed in cohorts of East Asian individuals with symptoms and/or clinical signs suggestive of mitochondrial disorders (e.g. Duc_2023, Zheng_2025), however no supportive evidence for causality was provided. These report(s) do not provide unequivocal conclusions about association of the variant with Mitochondrial Complex 1 Deficiency, Nuclear Type 22. To our knowledge, no experimental evidence demonstrating an impact on protein function has been reported. The following publications have been ascertained in the context of this evaluation (PMID: 39423307, 36689859). ClinVar contains an entry for this variant (Variation ID: 1806358). Based on the evidence outlined above, the variant was classified as benign.

Victorian Clinical Genetics Services, Murdoch Childrens Research Institute
Classification: Uncertain significance for Mitochondrial complex I deficiency, nuclear type 22. Last evaluated: 2020-10-19. Review status: criteria provided, single submitter. Criteria: ACMG Guidelines, 2015. Collection method: clinical testing. Allele origin: germline. Inheritance: Autosomal recessive inheritance.
Comment: Based on the classification scheme VCGS_Germline_v1.3.3, this variant is classified as 3C-VUS. Following criteria are met: 0102 - Loss of function is a known mechanism of disease in this gene and is associated with mitochondrial complex I deficiency, nuclear type 22 (MIM#618243). (I) 0106 - This gene is associated with autosomal recessive disease. (I) 0215 - In-frame insertion/deletion partially overlapping a repetitive region that has low conservation. (I) 0219 - This variant is non-coding in an alternative transcript. This variant is intronic in all alternative isoforms, including the canonical transcript (ClinVar, NCBI, UCSC). (I) 0251 - This variant is heterozygous. (I) 0304 - Variant is present in gnomAD (v2) <0.01 for a recessive condition (283 heterozygotes, 0 homozygotes). (SP) 0604 - Variant is not located in an established domain, motif, hotspot or informative constraint region. (I) 0705 - No comparable in-frame deletion variants have previous evidence for pathogenicity. (I) 0807 - This variant has no previous evidence of pathogenicity. The variant is listed as likely benign in one database with no further information available (LOVD). (I) 0905 - No published segregation evidence has been identified for this variant. (I) 1007 - No published functional evidence has been identified for this variant. (I) 1208 - Inheritance information for this variant is not currently available in this individual. (I) Legend: (SP) - Supporting pathogenic, (I) - Information, (SB) - Supporting benign

PreventionGenetics, part of Exact Sciences
Classification: Likely benign for NDUFA10-related condition. Last evaluated: 2022-06-08. Review status: no assertion criteria provided. Collection method: clinical testing. Allele origin: germline. Not counted in ClinVar's aggregate classification.
Comment: This variant is classified as likely benign based on ACMG/AMP sequence variant interpretation guidelines (Richards et al. 2015 PMID: 25741868, with internal and published modifications).

Literature cited by the submitters: PubMed 39423307 (cited by Women's Health and Genetics/Laboratory Corporation of America, LabCorp); PubMed 36689859 (cited by Women's Health and Genetics/Laboratory Corporation of America, LabCorp).